The following is an entry in ClinVar:

NM_006767.4(LZTR1):c.2360A>T (p.Asp787Val)

Gene: LZTR1 (leucine zipper like post translational regulator 1; plus strand). Cytogenetic location: 22q11.21.
Variant type: single nucleotide variant.
Coding change: c.2360A>T on transcript NM_006767.4 (MANE Select); coding-DNA position 2360, A replaced by T.
Protein change: p.Asp787Val; replaces aspartic acid 787 with valine.
Molecular consequence: missense variant.
Genome position (GRCh38, 1-based): chr22:20,996,920, A>T. VCF-style: chr22-20996920-A-T. GRCh37 (hg19) VCF-style: chr22-21351209-A-T.
Other names: short protein forms D787V.
Identifiers: ClinVar variation 5023795 (VCV005023795.1).

ClinVar aggregate classification (germline): Uncertain significance (1 of 4 stars; one submission).

Conditions:
Cardiovascular phenotype. Identifiers: MedGen CN230736.
Hereditary cancer-predisposing syndrome. Also called: Neoplastic Syndromes, Hereditary; Tumor predisposition; Hereditary neoplastic syndrome; Hereditary Cancer Syndrome. Identifiers: Orphanet 140162, MedGen C0027672, MeSH D009386, MONDO:0015356.

Submission:

Ambry Genetics
Classification: Uncertain significance for Cardiovascular phenotype; Hereditary cancer-predisposing syndrome. Last evaluated: 2026-08-20. Review status: criteria provided, single submitter. Criteria: Ambry Variant Classification Scheme 2023. Collection method: clinical testing. Allele origin: germline.
Comment: The p.D787V variant (also known as c.2360A>T), located in coding exon 20 of the LZTR1 gene, results from an A to T substitution at nucleotide position 2360. The aspartic acid at codon 787 is replaced by valine, an amino acid with highly dissimilar properties. This amino acid position is conserved. In addition, this alteration is predicted to be deleterious by in silico analysis. Based on the available evidence, the clinical significance of this variant remains unclear.